The following is an entry in ClinVar:

ClinVar aggregate classification (germline): Uncertain significance (1 of 4 stars; one submission).

Conditions:
Charcot-Marie-Tooth disease type 2R. Also called: CHARCOT-MARIE-TOOTH DISEASE, AXONAL, AUTOSOMAL RECESSIVE, TYPE 2R; Charcot-Marie-Tooth disease, axonal, type 2R; CHARCOT-MARIE-TOOTH NEUROPATHY, TYPE 2R. Identifiers: Orphanet 397968, MedGen C3809655, MONDO:0014208, OMIM 615490.

Allele frequency attached by ClinVar (database versions not stated): 1000 Genomes Project 0.00020; gnomAD 0.00002 and 0.00001; gnomAD exomes 0.00001; ExAC 0.00001; TOPMed 0.00001; 1000 Genomes Project 30x 0.00016.
gnomAD v4.1: 21 of 1,614,126 alleles (0.0013%); highest among the groups gnomAD compares: Middle Eastern, 0.017%; no homozygotes.

Submission:

Labcorp Genetics (formerly Invitae), Labcorp
Classification: Uncertain significance for Charcot-Marie-Tooth disease type 2R. Last evaluated: 2020-12-29. Review status: criteria provided, single submitter. Criteria: Invitae Variant Classification Sherloc (09022015). Collection method: clinical testing. Allele origin: germline.
Comment: In summary, the available evidence is currently insufficient to determine the role of this variant in disease. Therefore, it has been classified as a Variant of Uncertain Significance. Algorithms developed to predict the effect of missense changes on protein structure and function do not agree on the potential impact of this missense change (SIFT: "Deleterious"; PolyPhen-2: "Benign"; Align-GVGD: "Class C0"). This variant has not been reported in the literature in individuals with TRIM2-related disease. This variant is present in population databases (rs114415780, ExAC 0.01%). This sequence change replaces arginine with histidine at codon 585 of the TRIM2 protein (p.Arg585His). The arginine residue is highly conserved and there is a small physicochemical difference between arginine and histidine.

NM_015271.5(TRIM2):c.1835G>A (p.Arg612His)

Gene: TRIM2 (tripartite motif containing 2; plus strand). Cytogenetic location: 4q31.3.
Variant type: single nucleotide variant.
Coding change: c.1835G>A on transcript NM_015271.5 (MANE Select); coding-DNA position 1835, G replaced by A.
Protein change: p.Arg612His; replaces arginine 612 with histidine.
Molecular consequence: missense variant.
Genome position (GRCh38, 1-based): chr4:153,322,700, G>A. VCF-style: chr4-153322700-G-A. GRCh37 (hg19) VCF-style: chr4-154243852-G-A.
Other names: c.1754G>A, p.Arg585His (NM_001130067.2, NM_001351056.2); c.1808G>A, p.Arg603His (NM_001351054.2); c.1805G>A, p.Arg602His (NM_001351055.2); c.1379G>A, p.Arg460His (NM_001351057.2); short protein forms R585H, R603H, R602H, R460H, R612H.
Identifiers: ClinVar variation 541515 (VCV000541515.9), dbSNP rs114415780, ClinGen allele CA3108834.